The following is an entry in ClinVar:

ClinVar aggregate classification (germline): Uncertain significance. Review status: criteria provided, multiple submitters, no conflicts (2 of 4 stars). 2 submissions from 2 submitters: Uncertain significance (2). Last evaluated 2026-01-26.

Conditions:
Hereditary cancer-predisposing syndrome. Also called: Neoplastic Syndromes, Hereditary; Tumor predisposition; Hereditary Cancer Syndrome; Hereditary neoplastic syndrome. Identifiers: Orphanet 140162, MedGen C0027672, MeSH D009386, MONDO:0015356.
Medulloblastoma (MDB). Also called: Medulloblastoma, somatic; MEDULLOBLASTOMA PREDISPOSITION SYNDROME. Identifiers: Orphanet 616, MedGen C0025149, MeSH D008527, MONDO:0007959, OMIM 155255, HP:0002885.
Gorlin syndrome. Also called: Nevoid Basal Cell Carcinoma Syndrome; Basal cell nevus syndrome. Identifiers: Orphanet 377, MedGen C0004779, MONDO:0007187.

Submissions (2):

Labcorp Genetics (formerly Invitae), Labcorp
Classification: Uncertain significance for Gorlin syndrome; Medulloblastoma. Last evaluated: 2026-01-26. Review status: criteria provided, single submitter. Criteria: Invitae Variant Classification Sherloc (09022015). Collection method: clinical testing. Allele origin: germline.
Comment: This sequence change replaces glycine, which is neutral and non-polar, with cysteine, which is neutral and slightly polar, at codon 8 of the SUFU protein (p.Gly8Cys). This variant is not present in population databases (gnomAD no frequency). This variant has not been reported in the literature in individuals affected with SUFU-related conditions. ClinVar contains an entry for this variant (Variation ID: 568531). An algorithm developed to predict the effect of missense changes on protein structure and function outputs the following: PolyPhen-2: "Benign". The cysteine amino acid residue is found in multiple mammalian species, which suggests that this missense change does not adversely affect protein function. In summary, the available evidence is currently insufficient to determine the role of this variant in disease. Therefore, it has been classified as a Variant of Uncertain Significance.

Ambry Genetics
Classification: Uncertain significance for Hereditary cancer-predisposing syndrome. Last evaluated: 2025-04-18. Review status: criteria provided, single submitter. Criteria: Ambry Variant Classification Scheme 2023. Collection method: clinical testing. Allele origin: germline.
Comment: The p.G8C variant (also known as c.22G>T), located in coding exon 1 of the SUFU gene, results from a G to T substitution at nucleotide position 22. The glycine at codon 8 is replaced by cysteine, an amino acid with highly dissimilar properties. This amino acid position is conserved. In addition, this alteration is predicted to be tolerated by in silico analysis. Based on the available evidence, the clinical significance of this variant remains unclear.

NM_016169.4(SUFU):c.22G>T (p.Gly8Cys)

Genes: SUFU (SUFU negative regulator of hedgehog signaling; plus strand), LOC130004614 (ATAC-STARR-seq lymphoblastoid silent region 2764; plus strand). Cytogenetic location: 10q24.32.
Variant type: single nucleotide variant.
Coding change: c.22G>T on transcript NM_016169.4 (MANE Select); coding-DNA position 22, G replaced by T.
Protein change: p.Gly8Cys; replaces glycine 8 with cysteine.
Molecular consequence: missense variant.
Genome position (GRCh38, 1-based): chr10:102,504,174, G>T. VCF-style: chr10-102504174-G-T. GRCh37 (hg19) VCF-style: chr10-104263931-G-T.
Other names: c.22G>T, p.Gly8Cys (NM_001178133.2); short protein forms G8C.
Identifiers: ClinVar variation 568531 (VCV000568531.10), dbSNP rs769696737, ClinGen allele CA377886123.